The following is an entry in ClinVar:

NM_003701.4(TNFSF11):c.523A>G (p.Ile175Val)

Genes: TNFSF11 (TNF superfamily member 11; plus strand), LOC126861753 (P300/CBP strongly-dependent group 1 enhancer GRCh37_chr13:43174688-43175887; plus strand). Cytogenetic location: 13q14.11.
Variant type: single nucleotide variant.
Coding change: c.523A>G on transcript NM_003701.4 (MANE Select); coding-DNA position 523, A replaced by G.
Protein change: p.Ile175Val; replaces isoleucine 175 with valine.
Molecular consequence: missense variant.
Genome position (GRCh38, 1-based): chr13:42,600,972, A>G. VCF-style: chr13-42600972-A-G. GRCh37 (hg19) VCF-style: chr13-43175108-A-G.
Other names: c.304A>G, p.Ile102Val (NM_033012.4); short protein forms I102V, I175V.
Identifiers: ClinVar variation 3349623 (VCV003349623.1).

ClinVar aggregate classification (germline): Uncertain significance (0 of 4 stars; one submission).

Conditions:
TNFSF11-related disorder. Also called: TNFSF11-related condition.

gnomAD v4.1: 47 of 1,614,044 alleles (0.0029%); highest among the groups gnomAD compares: Non-Finnish European, 0.004%; no homozygotes.

Submission:

PreventionGenetics, part of Exact Sciences
Classification: Uncertain significance for TNFSF11-related condition. Last evaluated: 2024-04-04. Review status: no assertion criteria provided. Collection method: clinical testing. Allele origin: germline.
Comment: The TNFSF11 c.523A>G variant is predicted to result in the amino acid substitution p.Ile175Val. To our knowledge, this variant has not been reported in the literature. This variant is reported in 0.0018% of alleles in individuals of European (Non-Finnish) descent in gnomAD. At this time, the clinical significance of this variant is uncertain due to the absence of conclusive functional and genetic evidence.